The following is an entry in ClinVar:

ClinVar aggregate classification (germline): Uncertain significance (1 of 4 stars; one submission).

Submission:

Labcorp Genetics (formerly Invitae), Labcorp
Classification: Uncertain significance. Last evaluated: 2024-02-17. Review status: criteria provided, single submitter. Criteria: Invitae Variant Classification Sherloc (09022015). Collection method: clinical testing. Allele origin: germline.
Comment: This variant, c.1231_1233del, results in the deletion of 1 amino acid(s) of the MME protein (p.Cys411del), but otherwise preserves the integrity of the reading frame. This variant is not present in population databases (gnomAD no frequency). This variant has been observed in individual(s) with clinical features of Charcot-Marie-Tooth disease (PMID: 26991897; Invitae). Experimental studies and prediction algorithms are not available or were not evaluated, and the functional significance of this variant is currently unknown. In summary, the available evidence is currently insufficient to determine the role of this variant in disease. Therefore, it has been classified as a Variant of Uncertain Significance.

Literature cited by the submitters: PubMed 26991897.

NM_007289.4(MME):c.1231_1233del (p.Cys411del)

Gene: MME (membrane metalloendopeptidase; plus strand). Cytogenetic location: 3q25.2.
Variant type: Deletion.
Coding change: c.1231_1233del on transcript NM_007289.4 (MANE Select); coding-DNA positions 1231 to 1233, 3 bases deleted (TGT; older notation c.1231_1233delTGT).
Protein change: p.Cys411del; deletes cysteine 411.
Genome position (GRCh38, 1-based): chr3:155,143,485-155,143,487, TGT deleted; deleting any 3 consecutive bases within chr3:155,143,483-155,143,487 gives the same sequence; the c. name uses the placement nearest the transcript's 3' end. VCF-style (leftmost placement, unchanged base first): chr3-155143482-CGTT-C. GRCh37 (hg19) VCF-style: chr3-154861271-CGTT-C.
Other names: c.1231_1233del, p.Cys411del (NM_000902.5, NM_001354642.2, NM_001354643.1 and 2 more transcripts); short protein forms C411del.
Identifiers: ClinVar variation 3720541 (VCV003720541.2).